The following is an entry in ClinVar:

ClinVar aggregate classification (germline): Uncertain significance. Review status: criteria provided, multiple submitters, no conflicts (2 of 4 stars). 4 submissions from 4 submitters: Uncertain significance (4). Last evaluated 2025-10-03.

Conditions:
Neonatal-onset encephalopathy with rigidity and seizures. Also called: Lethal neonatal spasticity-epileptic encephalopathy syndrome. Identifiers: Orphanet 435845, MedGen C3281029, MONDO:0013784, OMIM 614498.

Allele frequency attached by ClinVar (database versions not stated): ExAC 0.00006; gnomAD 0.00006 and 0.00007; gnomAD exomes 0.00006 and 0.00008; TOPMed 0.00009; ESP Exome Variant Server 0.00015.
gnomAD v4.1: 130 of 1,612,828 alleles (0.0081%); highest among the groups gnomAD compares: Middle Eastern, 0.017%; no homozygotes.

Submissions (4):

Women's Health and Genetics/Laboratory Corporation of America, LabCorp
Classification: Uncertain significance. Last evaluated: 2025-10-03. Review status: criteria provided, single submitter. Criteria: LabCorp Variant Classification Summary - May 2015. Collection method: clinical testing. Allele origin: germline.
Comment: Variant summary: BRAT1 c.1039G>A (p.Asp347Asn) results in a conservative amino acid change in the encoded protein sequence. Algorithms developed to predict the effect of missense changes on protein structure and function all suggest that this variant is likely to be tolerated. The variant allele was found at a frequency of 6e-05 in 248122 control chromosomes. This frequency is not significantly higher than estimated for disease-causing variants in BRAT1, allowing no conclusion about variant significance. c.1039G>A has been observed in a compound heterozygous individual affected with Early-onset Epileptic Encephalopathy (Rudolf_2020). These report(s) do not provide unequivocal conclusions about association of the variant with Neurodevelopmental Disorder With Cerebellar Atrophy And With Or Without Seizures. To our knowledge, no experimental evidence demonstrating an impact on protein function has been reported. The following publication have been ascertained in the context of this evaluation (PMID: 32600977). ClinVar contains an entry for this variant (Variation ID: 574629). Based on the evidence outlined above, the variant was classified as uncertain significance.

Labcorp Genetics (formerly Invitae), Labcorp
Classification: Uncertain significance for Neonatal-onset encephalopathy with rigidity and seizures. Last evaluated: 2025-09-10. Review status: criteria provided, single submitter. Criteria: Invitae Variant Classification Sherloc (09022015). Collection method: clinical testing. Allele origin: germline.
Comment: This sequence change replaces aspartic acid, which is acidic and polar, with asparagine, which is neutral and polar, at codon 347 of the BRAT1 protein (p.Asp347Asn). This variant is present in population databases (rs144499760, gnomAD 0.01%). This missense change has been observed in individual(s) with atypical Rolandic epilepsy (PMID: 32600977). ClinVar contains an entry for this variant (Variation ID: 574629). Invitae Evidence Modeling of protein sequence and biophysical properties (such as structural, functional, and spatial information, amino acid conservation, physicochemical variation, residue mobility, and thermodynamic stability) indicates that this missense variant is not expected to disrupt BRAT1 protein function with a negative predictive value of 95%. In summary, the available evidence is currently insufficient to determine the role of this variant in disease. Therefore, it has been classified as a Variant of Uncertain Significance.

GeneDx
Classification: Uncertain significance. Last evaluated: 2021-11-09. Review status: criteria provided, single submitter. Criteria: GeneDx Variant Classification Process June 2021. Collection method: clinical testing. Allele origin: germline. Affected: yes.
Comment: Not observed at a significant frequency in large population cohorts (Lek et al., 2016); In silico analysis supports that this missense variant does not alter protein structure/function; Has not been previously published as pathogenic or benign to our knowledge

Greenwood Genetic Center Diagnostic Laboratories, Greenwood Genetic Center
Classification: Uncertain significance. Last evaluated: 2021-08-12. Review status: criteria provided, single submitter. Criteria: ACMG Guidelines, 2015. Collection method: clinical testing. Allele origin: germline. Affected: yes.
Comment: BP4, PM2

Literature cited by the submitters: PubMed 32600977 (cited by Women's Health and Genetics/Laboratory Corporation of America, LabCorp and Labcorp Genetics (formerly Invitae), Labcorp).

NM_152743.4(BRAT1):c.1039G>A (p.Asp347Asn)

Gene: BRAT1 (BRCA1 associated ATM activator 1; minus strand). Cytogenetic location: 7p22.3.
Variant type: single nucleotide variant.
Coding change: c.1039G>A on transcript NM_152743.4 (MANE Select); coding-DNA position 1039, G replaced by A.
Protein change: p.Asp347Asn; replaces aspartic acid 347 with asparagine.
Molecular consequence: missense variant. On other transcripts: non-coding transcript variant (1).
Genome position (GRCh38, 1-based): chr7:2,541,813, C>T on the plus strand (G>A on the coding strand, the complement: BRAT1 is on the minus strand). VCF-style: chr7-2541813-C-T. GRCh37 (hg19) VCF-style: chr7-2581447-C-T.
Other names: c.1039G>A, p.Asp347Asn (NM_001350626.2); c.514G>A, p.Asp172Asn (NM_001350627.2); short protein forms D347N, D172N.
Identifiers: ClinVar variation 574629 (VCV000574629.19), dbSNP rs144499760, ClinGen allele CA4127955.
Genomic context (GRCh38, chr7:2,541,813, plus strand): 5'-GGCACAGGAGGCCGGCGCAGGACGACTTGGAGGCCAGGAGTGTGTCCACCGTCGTGGCAT[C>T]GTCTGCCGTCCCGTCCAGCAAGCCTGGGGGCCAAGCCAGGAAGAGCTCCCTTAGAGAGCA-3'
Protein context (NP_689956.2, residues 337-357): PPGLLDGTAD[Asp347Asn]ATTVDTLLAS